The following is an entry in ClinVar:

ClinVar aggregate classification (germline): Uncertain significance (1 of 4 stars; one submission).

Conditions:
Polyglandular autoimmune syndrome, type 1 (APS1). Also called: HYPOADRENOCORTICISM WITH HYPOPARATHYROIDISM AND SUPERFICIAL MONILIASIS; Autoimmune polyendocrine syndrome type 1; Autoimmune polyendocrinopathy syndrome , type I, with or without reversible metaphyseal dysplasia; AUTOIMMUNE POLYENDOCRINE SYNDROME, TYPE I, WITH OR WITHOUT REVERSIBLE METAPHYSEAL DYSPLASIA; APS I; PGA I. Identifiers: Orphanet 3453, MedGen C0085859, MONDO:0009411, OMIM 240300.

Allele frequency attached by ClinVar (database versions not stated): ExAC below 0.00001; TOPMed below 0.00001.
gnomAD v4.1: 22 of 1,550,724 alleles (0.0014%); highest among the groups gnomAD compares: Non-Finnish European, 0.0017%; no homozygotes.

Submission:

Labcorp Genetics (formerly Invitae), Labcorp
Classification: Uncertain significance for Polyglandular autoimmune syndrome, type 1. Last evaluated: 2021-09-01. Review status: criteria provided, single submitter. Criteria: Invitae Variant Classification Sherloc (09022015). Collection method: clinical testing. Allele origin: germline.
Comment: This sequence change replaces threonine with isoleucine at codon 364 of the AIRE protein (p.Thr364Ile). The threonine residue is highly conserved and there is a moderate physicochemical difference between threonine and isoleucine. The frequency data for this variant in the population databases is considered unreliable, as metrics indicate poor data quality at this position in the ExAC database. This variant has not been reported in the literature in individuals affected with AIRE-related conditions. Algorithms developed to predict the effect of missense changes on protein structure and function are either unavailable or do not agree on the potential impact of this missense change (SIFT: "Deleterious"; PolyPhen-2: "Benign"; Align-GVGD: "Class C0"). In summary, the available evidence is currently insufficient to determine the role of this variant in disease. Therefore, it has been classified as a Variant of Uncertain Significance.

NM_000383.4(AIRE):c.1091C>T (p.Thr364Ile)

Gene: AIRE (autoimmune regulator; plus strand). Cytogenetic location: 21q22.3.
Variant type: single nucleotide variant.
Coding change: c.1091C>T on transcript NM_000383.4 (MANE Select); coding-DNA position 1091, C replaced by T.
Protein change: p.Thr364Ile; replaces threonine 364 with isoleucine.
Molecular consequence: missense variant.
Genome position (GRCh38, 1-based): chr21:44,292,397, C>T. VCF-style: chr21-44292397-C-T. GRCh37 (hg19) VCF-style: chr21-45712280-C-T.
Other names: short protein forms T364I.
Identifiers: ClinVar variation 942475 (VCV000942475.3), dbSNP rs757362732, ClinGen allele CA10051916.